The following is an entry in ClinVar:

NM_005269.3(GLI1):c.1082C>T (p.Pro361Leu)

Gene: GLI1 (GLI family zinc finger 1; plus strand). Cytogenetic location: 12q13.3.
Variant type: single nucleotide variant.
Coding change: c.1082C>T on transcript NM_005269.3 (MANE Select); coding-DNA position 1082, C replaced by T.
Protein change: p.Pro361Leu; replaces proline 361 with leucine.
Molecular consequence: missense variant.
Genome position (GRCh38, 1-based): chr12:57,467,998, C>T. VCF-style: chr12-57467998-C-T. GRCh37 (hg19) VCF-style: chr12-57861781-C-T.
Other names: c.698C>T, p.Pro233Leu (NM_001160045.2); c.959C>T, p.Pro320Leu (NM_001167609.2); short protein forms P320L, P361L, P233L.
Identifiers: ClinVar variation 2466056 (VCV002466056.3), dbSNP rs373770232, ClinGen allele CA6648721.

ClinVar aggregate classification (germline): Uncertain significance. Review status: criteria provided, multiple submitters, no conflicts (2 of 4 stars). 2 submissions from 2 submitters: Uncertain significance (2). Last evaluated 2026-04-21.

Allele frequency attached by ClinVar (database versions not stated): gnomAD exomes 0.00001; TOPMed 0.00001; ExAC 0.00002; ESP Exome Variant Server 0.00008.
gnomAD v4.1: 13 of 1,611,018 alleles (0.00081%); highest among the groups gnomAD compares: East Asian, 0.0067%; no homozygotes.

Submissions (2):

Women's Health and Genetics/Laboratory Corporation of America, LabCorp
Classification: Uncertain significance. Last evaluated: 2026-04-21. Review status: criteria provided, single submitter. Criteria: LabCorp Variant Classification Summary - May 2015. Collection method: clinical testing. Allele origin: germline.
Comment: Variant summary: GLI1 c.1082C>T (p.Pro361Leu) results in a non-conservative amino acid change in the encoded protein sequence. Algorithms developed to predict the effect of missense changes on protein structure and function are either unavailable or do not agree on the potential impact of this missense change. The variant allele was found at a frequency of 1.2e-05 in 250280 control chromosomes. The available data on variant occurrences in the general population are insufficient to allow any conclusion about variant significance. To our knowledge, no occurrence of c.1082C>T in individuals affected with GLI1-related conditions and no experimental evidence demonstrating its impact on protein function have been reported. ClinVar contains an entry for this variant (Variation ID: 2466056). Based on the evidence outlined above, the variant was classified as uncertain significance.

Ambry Genetics
Classification: Uncertain significance. Last evaluated: 2023-02-10. Review status: criteria provided, single submitter. Criteria: Ambry Variant Classification Scheme 2023. Collection method: clinical testing. Allele origin: germline.